The following is an entry in ClinVar:

NC_000016.10:g.(?_28878652)_(28904225_?)del

Genes: ATP2A1 (ATPase sarcoplasmic/endoplasmic reticulum Ca2+ transporting 1; plus strand), ATP2A1-AS1 (ATP2A1 antisense RNA 1; minus strand), LOC130058741 (ATAC-STARR-seq lymphoblastoid silent region 7316; plus strand), LOC130058740 (ATAC-STARR-seq lymphoblastoid silent region 7315; plus strand). Cytogenetic location: 16p11.2.
Variant type: Deletion.
Identifiers: ClinVar variation 464067 (VCV000464067.1).

ClinVar aggregate classification (germline): Pathogenic (1 of 4 stars; one submission).

Conditions:
Brody myopathy. Also called: BRODY DISEASE. Identifiers: Orphanet 53347, MedGen C1832918, MONDO:0010977, OMIM 601003.

Submission:

Labcorp Genetics (formerly Invitae), Labcorp
Classification: Pathogenic for Brody myopathy. Last evaluated: 2018-05-12. Review status: criteria provided, single submitter. Criteria: Invitae Variant Classification Sherloc (09022015). Collection method: clinical testing. Allele origin: germline.
Comment: A gross deletion of the genomic region encompassing the full coding sequence of the ATP2A1 gene has been identified. The boundaries of this event are unknown as the deletion extends beyond the assayed region for this gene and therefore may encompass additional genes. While this particular variant has not been reported in the literature, loss-of-function variants in ATP2A1 are known to be pathogenic (PMID: 8841193). For these reasons, this variant has been classified as Pathogenic.

Literature cited by the submitters: PubMed 8841193.